The following is an entry in ClinVar:

ClinVar aggregate classification (germline): Pathogenic (1 of 4 stars; one submission).

Submission:

Labcorp Genetics (formerly Invitae), Labcorp
Classification: Pathogenic. Last evaluated: 2024-03-21. Review status: criteria provided, single submitter. Criteria: Invitae Variant Classification Sherloc (09022015). Collection method: clinical testing. Allele origin: germline.
Comment: This sequence change creates a premature translational stop signal (p.Gln11Serfs*13) in the DHODH gene. It is expected to result in an absent or disrupted protein product. Loss-of-function variants in DHODH are known to be pathogenic (PMID: 22692683, 22967083). This variant is not present in population databases (gnomAD no frequency). This variant has not been reported in the literature in individuals affected with DHODH-related conditions. For these reasons, this variant has been classified as Pathogenic.

Literature cited by the submitters: PubMed 22692683; PubMed 22967083.

NM_001361.5(DHODH):c.31_46del (p.Gln11fs)

Gene: DHODH (dihydroorotate dehydrogenase (quinone); plus strand). Cytogenetic location: 16q22.2.
Variant type: Deletion.
Coding change: c.31_46del on transcript NM_001361.5 (MANE Select); coding-DNA positions 31 to 46, 16 bases deleted (CAGGATGCTGTGATCA).
Protein change: p.Gln11fs; shifts the reading frame from glutamine 11.
Molecular consequence: frameshift variant.
Genome position (GRCh38, 1-based): chr16:72,012,059-72,012,074, CAGGATGCTGTGATCA deleted. VCF-style (leftmost placement, unchanged base first): chr16-72012058-CCAGGATGCTGTGATCA-C. GRCh37 (hg19) VCF-style: chr16-72045957-CCAGGATGCTGTGATCA-C.
Other names: short protein forms Q11fs.
Identifiers: ClinVar variation 3667173 (VCV003667173.2).